The following is an entry in ClinVar:

ClinVar aggregate classification (germline): Uncertain significance. Review status: criteria provided, multiple submitters, no conflicts (2 of 4 stars). 2 submissions from 2 submitters: Uncertain significance (2). Last evaluated 2024-08-30.

Allele frequency attached by ClinVar (database versions not stated): gnomAD exomes below 0.00001; ExAC 0.00001; gnomAD 0.00001; TOPMed 0.00001.

Submissions (2):

Blueprint Genetics
Classification: Uncertain significance. Last evaluated: 2024-08-30. Review status: criteria provided, single submitter. Criteria: ACMG Guidelines, 2015. Collection method: clinical testing. Allele origin: germline.

Laboratory for Molecular Medicine, Mass General Brigham Personalized Medicine
Classification: Uncertain significance. Last evaluated: 2020-02-21. Review status: criteria provided, single submitter. Criteria: LMM Criteria. Collection method: clinical testing. Allele origin: germline. Observed: 1 variant allele.
Comment: The p.Met1342Ile variant in MYO15A has not been previously reported in individuals with hearing loss, but has been identified in 1/17968 of East Asian chromosomes by gnomAD. Computational prediction tools and conservation analysis suggest that this variant may not impact the protein, though this information is not predictive enough to rule out pathogenicity. In summary, the clinical significance of this variant is uncertain. ACMG/AMP Criteria applied: PM2, BP4.

NM_016239.4(MYO15A):c.4026G>A (p.Met1342Ile)

Gene: MYO15A (myosin XVA; plus strand). Cytogenetic location: 17p11.2.
Variant type: single nucleotide variant.
Coding change: c.4026G>A on transcript NM_016239.4 (MANE Select); coding-DNA position 4026, G replaced by A.
Protein change: p.Met1342Ile; replaces methionine 1342 with isoleucine.
Molecular consequence: missense variant.
Genome position (GRCh38, 1-based): chr17:18,127,159, G>A. VCF-style: chr17-18127159-G-A. GRCh37 (hg19) VCF-style: chr17-18030473-G-A.
Other names: short protein forms M1342I.
Identifiers: ClinVar variation 929904 (VCV000929904.5), dbSNP rs370707928, ClinGen allele CA8423694.
Genomic context (GRCh38, chr17:18,127,159, plus strand): 5'-TGAGGCCACCAAGCTGATTCTGCGCTACCTGGCCGCCATGAACCAGAAACGGGAGGTCAT[G>A]CAGCAGGTGAGTCTACCTGTCTCCCCAGGACCCTAGGCTGAACACCCTTTGATAAGCACA-3'
Protein context (NP_057323.3, residues 1332-1352): LAAMNQKREV[Met1342Ile]QQIKILEATP